The following is an entry in ClinVar:

NM_001127222.2(CACNA1A):c.3527C>A (p.Pro1176His)

Gene: CACNA1A (calcium voltage-gated channel subunit alpha1 A; minus strand). Cytogenetic location: 19p13.13.
Variant type: single nucleotide variant.
Coding change: c.3527C>A on transcript NM_001127222.2 (MANE Select); coding-DNA position 3527, C replaced by A.
Protein change: p.Pro1176His; replaces proline 1176 with histidine.
Molecular consequence: missense variant.
Genome position (GRCh38, 1-based): chr19:13,286,529, G>T on the plus strand (C>A on the coding strand, the complement: CACNA1A is on the minus strand). VCF-style: chr19-13286529-G-T. GRCh37 (hg19) VCF-style: chr19-13397343-G-T.
Other names: c.3539C>A, p.Pro1180His (NM_000068.4, NM_023035.3); c.3530C>A, p.Pro1177His (NM_001127221.2, NM_001174080.2); short protein forms P1176H, P1177H, P1180H.
Identifiers: ClinVar variation 2506737 (VCV002506737.1), dbSNP rs2057403335, ClinGen allele CA404341188.

ClinVar aggregate classification (germline): Uncertain significance (1 of 4 stars; one submission).

Submission:

GeneDx
Classification: Uncertain significance. Last evaluated: 2022-12-21. Review status: criteria provided, single submitter. Criteria: GeneDx Variant Classification Process June 2021. Collection method: clinical testing. Allele origin: germline. Affected: yes.
Comment: Not observed at significant frequency in large population cohorts (gnomAD); In silico analysis supports that this missense variant has a deleterious effect on protein structure/function; Has not been previously published as pathogenic or benign to our knowledge